The following is an entry in ClinVar:

ClinVar aggregate classification (germline): Uncertain significance (1 of 4 stars; one submission).

Conditions:
Hereditary cancer-predisposing syndrome. Also called: Neoplastic Syndromes, Hereditary; Tumor predisposition; Hereditary Cancer Syndrome; Hereditary neoplastic syndrome. Identifiers: Orphanet 140162, MedGen C0027672, MeSH D009386, MONDO:0015356.

Allele frequency attached by ClinVar (database versions not stated): gnomAD exomes 0.00001.
gnomAD v4.1: 11 of 1,613,990 alleles (0.00068%); highest among the groups gnomAD compares: Non-Finnish European, 0.00093%; no homozygotes.

Submission:

Ambry Genetics
Classification: Uncertain significance for Hereditary cancer-predisposing syndrome. Last evaluated: 2015-08-21. Review status: criteria provided, single submitter. Criteria: Ambry Variant Classification Scheme 2023. Collection method: clinical testing. Allele origin: germline.
Comment: The p.K16R variant (also known as c.47A>G and 275A>G), located in coding exon 1 of the BRCA2 gene, results from an A to G substitution at nucleotide position 47. The lysine at codon 16 is replaced by arginine, an amino acid with highly similar properties. This variant was not reported in population based cohorts in the following databases: Database of Single Nucleotide Polymorphisms (dbSNP), NHLBI Exome Sequencing Project (ESP), and 1000 Genomes Project. In the ESP, this variant was not observed in 6503 samples (13006 alleles) with coverage at this position. To date, this alteration has been detected with an allele frequency of approximately 0.001% (greater than 150,000 alleles tested) in our clinical cohort. This amino acid position is well conserved in available vertebrate species. In addition, this alteration is predicted to be tolerated by in silico analysis. Since supporting evidence is limited at this time, the clinical significance of p.K16R remains unclear.

NM_000059.4(BRCA2):c.47A>G (p.Lys16Arg)

Gene: BRCA2 (BRCA2 DNA repair associated; plus strand). Cytogenetic location: 13q13.1.
Variant type: single nucleotide variant.
Coding change: c.47A>G on transcript NM_000059.4 (MANE Select); coding-DNA position 47, A replaced by G.
Protein change: p.Lys16Arg; replaces lysine 16 with arginine.
Molecular consequence: missense variant.
Genome position (GRCh38, 1-based): chr13:32,316,507, A>G. VCF-style: chr13-32316507-A-G. GRCh37 (hg19) VCF-style: chr13-32890644-A-G.
Other names: short protein forms K16R.
Identifiers: ClinVar variation 233489 (VCV000233489.5), dbSNP rs876660440, ClinGen allele CA10579443.